The following is an entry in ClinVar:

NM_014314.4(RIGI):c.241+2512T>C

Gene: RIGI (RNA sensor RIG-I; minus strand). Cytogenetic location: 9p21.1.
Variant type: single nucleotide variant.
Coding change: c.241+2512T>C on transcript NM_014314.4 (MANE Select); 2512 bases into the intron after coding-DNA position 241, T replaced by C.
Molecular consequence: intron variant.
Genome position (GRCh38, 1-based): chr9:32,498,293, A>G on the plus strand (T>C on the coding strand, the complement: RIGI is on the minus strand). VCF-style: chr9-32498293-A-G. GRCh37 (hg19) VCF-style: chr9-32498291-A-G.
Other names: c.-221+2512T>C (NM_001385912.1); c.241+2512T>C (NM_001385913.1, NM_001385907.1, NM_001385909.1); c.-214+2512T>C (NM_001385914.1, NM_001385910.1).
Identifiers: ClinVar variation 2637871 (VCV002637871.2), dbSNP rs2777725, ClinGen allele CA5020133.

ClinVar aggregate classification (germline): Benign (1 of 4 stars; one submission).

gnomAD v4.1: 447,618 of 456,672 alleles (98%); highest among the groups gnomAD compares: East Asian, 100%; 219,526 homozygotes.

Submission:

Unidad de Genómica Garrahan, Hospital de Pediatría Garrahan
Classification: Benign. Last evaluated: 2023-11-14. Review status: criteria provided, single submitter. Criteria: ACMG Guidelines, 2015. Collection method: clinical testing. Allele origin: germline. Affected: no. Observed: 96 variant alleles.
Comment: This variant is classified as Benign based on local population frequency. This variant was detected in 100% of patients studied by a panel of primary immunodeficiencies. Number of patients: 96. Only high quality variants are reported.